The following is an entry in ClinVar:

NM_001001344.3(ATP2B3):c.1879C>T (p.Arg627Trp)

Gene: ATP2B3 (ATPase plasma membrane Ca2+ transporting 3; plus strand). Cytogenetic location: Xq28.
Variant type: single nucleotide variant.
Coding change: c.1879C>T on transcript NM_001001344.3 (MANE Select); coding-DNA position 1879, C replaced by T.
Protein change: p.Arg627Trp; replaces arginine 627 with tryptophan.
Molecular consequence: missense variant.
Genome position (GRCh38, 1-based): chrX:153,553,090, C>T. VCF-style: chrX-153553090-C-T. GRCh37 (hg19) VCF-style: chrX-152818548-C-T.
Other names: c.1879C>T, p.Arg627Trp (NM_001388360.1, NM_001388361.1, NM_001388362.1 and 1 more transcripts); c.1837C>T, p.Arg613Trp (NM_001410708.1); short protein forms R627W, R613W.
Identifiers: ClinVar variation 4591206 (VCV004591206.2).

ClinVar aggregate classification (germline): Conflicting classifications of pathogenicity. Review status: criteria provided, conflicting classifications (1 of 4 stars). 2 submissions from 2 submitters: Uncertain significance (1); Likely benign (1). Last evaluated 2026-05-04.

Conditions:
X-linked progressive cerebellar ataxia. Also called: OLIVOPONTOCEREBELLAR ATROPHY, X-LINKED; OPCA, X-LINKED; Spinocerebellar ataxia, X-linked 1. Identifiers: Orphanet 1175, MedGen C0796205, MONDO:0010547, OMIM 302500.
Inborn genetic diseases. Identifiers: MedGen C0950123, MeSH D030342.

gnomAD v4.1: 4 of 1,208,776 alleles (0.00033%); highest among the groups gnomAD compares: Middle Eastern, 0.023%; no homozygotes.

Submissions (2):

Centre for Medical Genetics,  Mumbai
Classification: Likely benign for X-linked progressive cerebellar ataxia. Last evaluated: 2026-05-04. Review status: criteria provided, single submitter. Criteria: ACMG Guidelines, 2015. Collection method: provider interpretation. Allele origin: germline. Inheritance: X-linked recessive inheritance. Affected: no. Observed: 1 variant allele, 1 hemizygote.
Comment: The variant satisfies PM2 criteria - extremely low frequency in gnomAD population databases. The variant satisfies BS2 criteria - was observed in a homozygous state in population databases more than expected for disease. Hence, should be considered a likely benign variant.

Ambry Genetics
Classification: Uncertain significance for Inborn genetic diseases. Last evaluated: 2025-11-26. Review status: criteria provided, single submitter. Criteria: Ambry Variant Classification Scheme 2023. Collection method: clinical testing. Allele origin: germline.

Literature cited by the submitters: PubMed 10797423 (cited by Centre for Medical Genetics,  Mumbai).